The following is an entry in ClinVar:

ClinVar aggregate classification (germline): Uncertain significance (1 of 4 stars; one submission).

Allele frequency attached by ClinVar (database versions not stated): gnomAD exomes 0.00001.

Submission:

Labcorp Genetics (formerly Invitae), Labcorp
Classification: Uncertain significance. Last evaluated: 2022-07-25. Review status: criteria provided, single submitter. Criteria: Invitae Variant Classification Sherloc (09022015). Collection method: clinical testing. Allele origin: germline.
Comment: This variant has not been reported in the literature in individuals affected with USH1G-related conditions. ClinVar contains an entry for this variant (Variation ID: 1418787). Algorithms developed to predict the effect of missense changes on protein structure and function are either unavailable or do not agree on the potential impact of this missense change (SIFT: "Not Available"; PolyPhen-2: "Probably Damaging"; Align-GVGD: "Not Available"). This variant is not present in population databases (gnomAD no frequency). This sequence change replaces arginine, which is basic and polar, with glutamine, which is neutral and polar, at codon 10 of the USH1G protein (p.Arg10Gln). In summary, the available evidence is currently insufficient to determine the role of this variant in disease. Therefore, it has been classified as a Variant of Uncertain Significance.

NM_173477.5(USH1G):c.29G>A (p.Arg10Gln)

Gene: USH1G (USH1 protein network component sans; minus strand). Cytogenetic location: 17q25.1.
Variant type: single nucleotide variant.
Coding change: c.29G>A on transcript NM_173477.5 (MANE Select); coding-DNA position 29, G replaced by A.
Protein change: p.Arg10Gln; replaces arginine 10 with glutamine.
Molecular consequence: missense variant. On other transcripts: 5 prime UTR variant (1).
Genome position (GRCh38, 1-based): chr17:74,923,045, C>T on the plus strand (G>A on the coding strand, the complement: USH1G is on the minus strand). VCF-style: chr17-74923045-C-T. GRCh37 (hg19) VCF-style: chr17-72919140-C-T.
Other names: c.-228G>A (NM_001282489.3); short protein forms R10Q.
Identifiers: ClinVar variation 1418787 (VCV001418787.8), dbSNP rs2144759626, ClinGen allele CA400968586.
Genomic context (GRCh38, chr17:74,923,045, plus strand): 5'-TCGTCGGGGGCATTCAGCTCCTTTCGGGTGGCCTCCTTGAGGAGCTCCAGGTAGCCATCC[C>T]GGGCTGCCCGGTGGTACTGGTCGTTCATGGCGCCCGAAGTGGACGGGGCGGGCGGGGGAC-3'
Protein context (NP_775748.2, residues 1-20): MNDQYHRAA[Arg10Gln]DGYLELLKEA